The following is an entry in ClinVar:

ClinVar aggregate classification (germline): Uncertain significance (1 of 4 stars; one submission).

Allele frequency attached by ClinVar (database versions not stated): TOPMed below 0.00001; gnomAD 0.00001; gnomAD exomes 0.00001.

Submission:

Labcorp Genetics (formerly Invitae), Labcorp
Classification: Uncertain significance. Last evaluated: 2022-08-09. Review status: criteria provided, single submitter. Criteria: Invitae Variant Classification Sherloc (09022015). Collection method: clinical testing. Allele origin: germline.
Comment: In summary, the available evidence is currently insufficient to determine the role of this variant in disease. Therefore, it has been classified as a Variant of Uncertain Significance. Algorithms developed to predict the effect of missense changes on protein structure and function output the following: SIFT: "Tolerated"; PolyPhen-2: "Benign"; Align-GVGD: "Class C0". The leucine amino acid residue is found in multiple mammalian species, which suggests that this missense change does not adversely affect protein function. ClinVar contains an entry for this variant (Variation ID: 1493212). This variant has not been reported in the literature in individuals affected with TUBGCP6-related conditions. The frequency data for this variant in the population databases is considered unreliable, as metrics indicate poor data quality at this position in the gnomAD database. This sequence change replaces proline, which is neutral and non-polar, with leucine, which is neutral and non-polar, at codon 834 of the TUBGCP6 protein (p.Pro834Leu).

NM_020461.4(TUBGCP6):c.2501C>T (p.Pro834Leu)

Gene: TUBGCP6 (tubulin gamma complex component 6; minus strand). Cytogenetic location: 22q13.33.
Variant type: single nucleotide variant.
Coding change: c.2501C>T on transcript NM_020461.4 (MANE Select); coding-DNA position 2501, C replaced by T.
Protein change: p.Pro834Leu; replaces proline 834 with leucine.
Molecular consequence: missense variant.
Genome position (GRCh38, 1-based): chr22:50,221,858, G>A on the plus strand (C>T on the coding strand, the complement: TUBGCP6 is on the minus strand). VCF-style: chr22-50221858-G-A. GRCh37 (hg19) VCF-style: chr22-50660287-G-A.
Other names: short protein forms P834L.
Identifiers: ClinVar variation 1493212 (VCV001493212.6), dbSNP rs1189020501, ClinGen allele CA412097860.